The following is an entry in ClinVar:

ClinVar aggregate classification (germline): Likely benign. Review status: criteria provided, single submitter (1 of 4 stars). 2 submissions from 2 submitters: Likely benign (1). 1 of the submissions does not count toward it. Last evaluated 2024-11-18.

Conditions:
Rubinstein-Taybi syndrome (RSTS). Identifiers: Orphanet 783, MedGen C0035934, MONDO:0019188.
CREBBP-related disorder. Also called: CREBBP-related condition; CREBBP-related disorders.

gnomAD v4.1: 12 of 1,603,368 alleles (0.00075%); highest among the groups gnomAD compares: African/African-American, 0.004%; no homozygotes.

Submissions (2):

Labcorp Genetics (formerly Invitae), Labcorp
Classification: Likely benign for Rubinstein-Taybi syndrome. Last evaluated: 2024-11-18. Review status: criteria provided, single submitter. Criteria: Invitae Variant Classification Sherloc (09022015). Collection method: clinical testing. Allele origin: germline.

PreventionGenetics, part of Exact Sciences
Classification: Likely benign for CREBBP-related condition. Last evaluated: 2022-02-28. Review status: no assertion criteria provided. Collection method: clinical testing. Allele origin: germline. Not counted in ClinVar's aggregate classification.
Comment: This variant is classified as likely benign based on ACMG/AMP sequence variant interpretation guidelines (Richards et al. 2015 PMID: 25741868, with internal and published modifications).

NM_004380.3(CREBBP):c.5205G>A (p.Thr1735=)

Gene: CREBBP (CREB binding lysine acetyltransferase; minus strand). Cytogenetic location: 16p13.3.
Variant type: single nucleotide variant.
Coding change: c.5205G>A on transcript NM_004380.3 (MANE Select); coding-DNA position 5205, G replaced by A.
Protein change: p.Thr1735=; no amino-acid change (threonine 1735 retained).
Molecular consequence: synonymous variant.
Genome position (GRCh38, 1-based): chr16:3,729,842, C>T on the plus strand (G>A on the coding strand, the complement: CREBBP is on the minus strand). VCF-style: chr16-3729842-C-T. GRCh37 (hg19) VCF-style: chr16-3779843-C-T.
Other names: c.5091G>A, p.Thr1697= (NM_001079846.1); c.5205G>A (NM_004380.2).
Identifiers: ClinVar variation 2142509 (VCV002142509.5), dbSNP rs772658365, ClinGen allele CA493394333.